The following is an entry in ClinVar:

ClinVar aggregate classification (germline): Conflicting classifications of pathogenicity. Review status: criteria provided, conflicting classifications (1 of 4 stars). 4 submissions from 4 submitters: Uncertain significance (2); Likely benign (1). 1 of the submissions does not count toward it. Last evaluated 2024-05-22.

Conditions:
PCNT-related disorder. Also called: PCNT-related condition.
Microcephalic osteodysplastic primordial dwarfism type II (MOPD2). Also called: Microcephalic osteodysplastic primordial dwarfism with tooth abnormalities; MOPD II; OSTEODYSPLASTIC PRIMORDIAL DWARFISM, TYPE II. Identifiers: Orphanet 2637, MedGen C0432246, MONDO:0008872, OMIM 210720.

Allele frequency attached by ClinVar (database versions not stated): 1000 Genomes Project 30x 0.00016; gnomAD 0.00018 and 0.00028; 1000 Genomes Project 0.00020; ESP Exome Variant Server 0.00023; TOPMed 0.00023.
gnomAD v4.1: 117 of 1,613,828 alleles (0.0072%); highest among the groups gnomAD compares: African/African-American, 0.099%; 2 homozygotes.

Submissions (4):

Labcorp Genetics (formerly Invitae), Labcorp
Classification: Uncertain significance. Last evaluated: 2024-05-22. Review status: criteria provided, single submitter. Criteria: Invitae Variant Classification Sherloc (09022015). Collection method: clinical testing. Allele origin: germline.
Comment: This sequence change replaces glutamine, which is neutral and polar, with arginine, which is basic and polar, at codon 905 of the PCNT protein (p.Gln905Arg). This variant is present in population databases (rs112231246, gnomAD 0.09%). This variant has not been reported in the literature in individuals affected with PCNT-related conditions. ClinVar contains an entry for this variant (Variation ID: 159577). Algorithms developed to predict the effect of missense changes on protein structure and function output the following: SIFT: "Not Available"; PolyPhen-2: "Benign"; Align-GVGD: "Not Available". The arginine amino acid residue is found in multiple mammalian species, which suggests that this missense change does not adversely affect protein function. In summary, the available evidence is currently insufficient to determine the role of this variant in disease. Therefore, it has been classified as a Variant of Uncertain Significance.

GeneDx
Classification: Likely benign. Last evaluated: 2017-08-11. Review status: criteria provided, single submitter. Criteria: GeneDx Variant Classification (06012015). Collection method: clinical testing. Allele origin: germline. Affected: yes.
Comment: This variant is considered likely benign or benign based on one or more of the following criteria: it is a conservative change, it occurs at a poorly conserved position in the protein, it is predicted to be benign by multiple in silico algorithms, and/or has population frequency not consistent with disease.

Genetic Services Laboratory, University of Chicago
Classification: Uncertain significance for Microcephalic osteodysplastic primordial dwarfism, type II. Last evaluated: 2014-04-29. Review status: criteria provided, single submitter. Criteria: ACMG Guidelines, 2007. Collection method: clinical testing. Allele origin: germline. Inheritance: Autosomal recessive inheritance.

PreventionGenetics, part of Exact Sciences
Classification: Likely benign for PCNT-related condition. Last evaluated: 2024-01-29. Review status: no assertion criteria provided. Collection method: clinical testing. Allele origin: germline. Not counted in ClinVar's aggregate classification.
Comment: This variant is classified as likely benign based on ACMG/AMP sequence variant interpretation guidelines (Richards et al. 2015 PMID: 25741868, with internal and published modifications).

NM_006031.6(PCNT):c.2714A>G (p.Gln905Arg)

Gene: PCNT (pericentrin; plus strand). Cytogenetic location: 21q22.3.
Variant type: single nucleotide variant.
Coding change: c.2714A>G on transcript NM_006031.6 (MANE Select); coding-DNA position 2714, A replaced by G.
Protein change: p.Gln905Arg; replaces glutamine 905 with arginine.
Molecular consequence: missense variant.
Genome position (GRCh38, 1-based): chr21:46,366,688, A>G. VCF-style: chr21-46366688-A-G. GRCh37 (hg19) VCF-style: chr21-47786603-A-G.
Other names: c.2360A>G, p.Gln787Arg (NM_001315529.2); short protein forms Q905R, Q787R.
Identifiers: ClinVar variation 159577 (VCV000159577.13), dbSNP rs112231246, ClinGen allele CA251039.